The following is an entry in ClinVar:

ClinVar aggregate classification (germline): Pathogenic (1 of 4 stars; one submission).

Submission:

Labcorp Genetics (formerly Invitae), Labcorp
Classification: Pathogenic. Last evaluated: 2023-02-21. Review status: criteria provided, single submitter. Criteria: Invitae Variant Classification Sherloc (09022015). Collection method: clinical testing. Allele origin: germline.
Comment: This variant disrupts a region of the LCA5 protein in which other variant(s) (p.Lys586*) have been determined to be pathogenic (PMID: 23946133, 27624628). This suggests that this is a clinically significant region of the protein, and that variants that disrupt it are likely to be disease-causing. This variant has not been reported in the literature in individuals affected with LCA5-related conditions. This variant is not present in population databases (gnomAD no frequency). This sequence change creates a premature translational stop signal (p.Leu417Argfs*3) in the LCA5 gene. While this is not anticipated to result in nonsense mediated decay, it is expected to disrupt the last 281 amino acid(s) of the LCA5 protein. For these reasons, this variant has been classified as Pathogenic.

Literature cited by the submitters: PubMed 23946133; PubMed 27624628.

NM_001122769.3(LCA5):c.1245_1248dup (p.Leu417fs)

Gene: LCA5 (lebercilin LCA5; minus strand). Cytogenetic location: 6q14.1.
Variant type: Duplication.
Coding change: c.1245_1248dup on transcript NM_001122769.3 (MANE Select); coding-DNA positions 1245 to 1248, 4 bases duplicated (AGAA; older notation c.1245_1248dupAGAA).
Protein change: p.Leu417fs; shifts the reading frame from leucine 417.
Molecular consequence: frameshift variant.
Genome position (GRCh38, 1-based): chr6:79,487,850-79,487,853, TTCT duplicated on the plus strand (AGAA on the coding strand, the reverse complement: LCA5 is on the minus strand); duplicating any 4 consecutive bases within chr6:79,487,850-79,487,854 gives the same sequence; the c. name uses the placement nearest the transcript's 3' end. VCF-style (leftmost placement, unchanged base first): chr6-79487849-G-GTTCT. GRCh37 (hg19) VCF-style: chr6-80197566-G-GTTCT.
Other names: c.1245_1248dup, p.Leu417fs (NM_181714.4); short protein forms L417fs.
Identifiers: ClinVar variation 2836601 (VCV002836601.3), dbSNP rs2533371142, ClinGen allele CA2739273259.